The following is an entry in ClinVar:

NM_206933.4(USH2A):c.1156A>G (p.Ile386Val)

Gene: USH2A (usherin; minus strand). Cytogenetic location: 1q41.
Variant type: single nucleotide variant.
Coding change: c.1156A>G on transcript NM_206933.4 (MANE Select); coding-DNA position 1156, A replaced by G.
Protein change: p.Ile386Val; replaces isoleucine 386 with valine.
Molecular consequence: missense variant.
Genome position (GRCh38, 1-based): chr1:216,324,340, T>C on the plus strand (A>G on the coding strand, the complement: USH2A is on the minus strand). VCF-style: chr1-216324340-T-C. GRCh37 (hg19) VCF-style: chr1-216497682-T-C.
Other names: c.1156A>G, p.Ile386Val (NM_007123.6); short protein forms I386V.
Identifiers: ClinVar variation 1467828 (VCV001467828.8), dbSNP rs2037685831, ClinGen allele CA344912118.

ClinVar aggregate classification (germline): Uncertain significance (1 of 4 stars; one submission).

Allele frequency attached by ClinVar (database versions not stated): gnomAD exomes below 0.00001.
gnomAD v4.1: 2 of 1,611,404 alleles (0.00012%); highest among the groups gnomAD compares: Non-Finnish European, 0.00017%; no homozygotes.

Submission:

Labcorp Genetics (formerly Invitae), Labcorp
Classification: Uncertain significance. Last evaluated: 2021-07-07. Review status: criteria provided, single submitter. Criteria: Invitae Variant Classification Sherloc (09022015). Collection method: clinical testing. Allele origin: germline.
Comment: In summary, the available evidence is currently insufficient to determine the role of this variant in disease. Therefore, it has been classified as a Variant of Uncertain Significance. Algorithms developed to predict the effect of missense changes on protein structure and function output the following: SIFT: "Tolerated"; PolyPhen-2: "Benign"; Align-GVGD: "Class C0". The valine amino acid residue is found in multiple mammalian species, which suggests that this missense change does not adversely affect protein function. This variant has not been reported in the literature in individuals affected with USH2A-related conditions. This variant is not present in population databases (ExAC no frequency). This sequence change replaces isoleucine with valine at codon 386 of the USH2A protein (p.Ile386Val). The isoleucine residue is highly conserved and there is a small physicochemical difference between isoleucine and valine.